The following is an entry in ClinVar:

NM_003265.3(TLR3):c.308T>C (p.Val103Ala)

Gene: TLR3 (toll like receptor 3; plus strand). Cytogenetic location: 4q35.1.
Variant type: single nucleotide variant.
Coding change: c.308T>C on transcript NM_003265.3 (MANE Select); coding-DNA position 308, T replaced by C.
Protein change: p.Val103Ala; replaces valine 103 with alanine.
Molecular consequence: missense variant.
Genome position (GRCh38, 1-based): chr4:186,076,927, T>C. VCF-style: chr4-186076927-T-C. GRCh37 (hg19) VCF-style: chr4-186998081-T-C.
Other names: short protein forms V103A.
Identifiers: ClinVar variation 3679454 (VCV003679454.2).

ClinVar aggregate classification (germline): Uncertain significance (1 of 4 stars; one submission).

Conditions:
Encephalopathy, acute, infection-induced (herpes-specific), susceptibility to, 1. Also called: Herpes simplex encephalitis, susceptibility to, 1. Identifiers: Orphanet 1930, MedGen C2750180, MONDO:0024563, OMIM 610551.

gnomAD v4.1: 2 of 1,614,152 alleles (0.00012%); highest among the groups gnomAD compares: Admixed American, 0.0033%; no homozygotes.

Submission:

Labcorp Genetics (formerly Invitae), Labcorp
Classification: Uncertain significance for Encephalopathy, acute, infection-induced (herpes-specific), susceptibility to, 1. Last evaluated: 2024-04-29. Review status: criteria provided, single submitter. Criteria: Invitae Variant Classification Sherloc (09022015). Collection method: clinical testing. Allele origin: germline.
Comment: This sequence change replaces valine, which is neutral and non-polar, with alanine, which is neutral and non-polar, at codon 103 of the TLR3 protein (p.Val103Ala). This variant is present in population databases (no rsID available, gnomAD 0.006%). This variant has not been reported in the literature in individuals affected with TLR3-related conditions. An algorithm developed to predict the effect of missense changes on protein structure and function (PolyPhen-2) suggests that this variant is likely to be tolerated. In summary, the available evidence is currently insufficient to determine the role of this variant in disease. Therefore, it has been classified as a Variant of Uncertain Significance.